The following is an entry in ClinVar:

ClinVar aggregate classification (germline): Likely benign (0 of 4 stars; one submission).

Conditions:
COL4A4-related disorder.

Submission:

PreventionGenetics, part of Exact Sciences
Classification: Likely benign for COL4A4-related condition. Last evaluated: 2019-11-12. Review status: no assertion criteria provided. Collection method: clinical testing. Allele origin: germline.
Comment: This variant is classified as likely benign based on ACMG/AMP sequence variant interpretation guidelines (Richards et al. 2015 PMID: 25741868, with internal and published modifications).

NM_000092.5(COL4A4):c.2164+7G>T

Gene: COL4A4 (collagen type IV alpha 4 chain; minus strand). Cytogenetic location: 2q36.3.
Variant type: single nucleotide variant.
Coding change: c.2164+7G>T on transcript NM_000092.5 (MANE Select); 7 bases into the intron after coding-DNA position 2164, G replaced by T.
Molecular consequence: intron variant.
Genome position (GRCh38, 1-based): chr2:227,060,129, C>A on the plus strand (G>T on the coding strand, the complement: COL4A4 is on the minus strand). VCF-style: chr2-227060129-C-A. GRCh37 (hg19) VCF-style: chr2-227924845-C-A.
Identifiers: ClinVar variation 3045925 (VCV003045925.2), dbSNP rs1576215466, ClinGen allele CA1043064018.